The following is an entry in ClinVar:

NM_000169.3(GLA):c.946G>A (p.Val316Ile)

Genes: GLA (galactosidase alpha; minus strand), RPL36A-HNRNPH2 (RPL36A-HNRNPH2 readthrough; plus strand). Cytogenetic location: Xq22.1.
Variant type: single nucleotide variant.
Coding change: c.946G>A on transcript NM_000169.3 (MANE Select); coding-DNA position 946, G replaced by A.
Protein change: p.Val316Ile; replaces valine 316 with isoleucine.
Molecular consequence: missense variant. On other transcripts: non-coding transcript variant (3), intron variant (2).
Genome position (GRCh38, 1-based): chrX:101,398,423, C>T on the plus strand (G>A on the coding strand, the complement: GLA is on the minus strand). VCF-style: chrX-101398423-C-T. GRCh37 (hg19) VCF-style: chrX-100653411-C-T.
Other names: c.1069G>A, p.Val357Ile (NM_001406747.1); c.946G>A, p.Val316Ile (NM_001406748.1); c.300+2966C>T (NM_001199973.2); c.177+6601C>T (NM_001199974.2); short protein forms V316I, V357I.
Identifiers: ClinVar variation 2138662 (VCV002138662.8), dbSNP rs142217511, ClinGen allele CA352303.

ClinVar aggregate classification (germline): Uncertain significance. Review status: criteria provided, multiple submitters, no conflicts (2 of 4 stars). 5 submissions from 5 submitters: Uncertain significance (5). Last evaluated 2026-09-08.

Conditions:
Cardiovascular phenotype. Identifiers: MedGen CN230736.
Fabry disease. Also called: Fabry's disease; GLA DEFICIENCY; HEREDITARY DYSTOPIC LIPIDOSIS; ANDERSON-FABRY DISEASE; CERAMIDE TRIHEXOSIDASE DEFICIENCY; Ceramide trihexosidosis. Identifiers: Orphanet 324, MedGen C0002986, MONDO:0010526, OMIM 301500, HP:0001071. Disease mechanism: loss of function, Fabry disease is due to inactivating mutations in the X-linked GLA gene resulting in deficiency of the enzyme Alpha Galactosidase-A..

Allele frequency attached by ClinVar (database versions not stated): TOPMed below 0.00001; ESP Exome Variant Server 0.00009.
gnomAD v4.1: 13 of 1,209,766 alleles (0.0011%); highest among the groups gnomAD compares: South Asian, 0.0053%; no homozygotes.

Submissions (5):

Genomenon, Inc
Classification: Uncertain significance for Fabry disease. Last evaluated: 2026-09-08. Review status: criteria provided, single submitter. Criteria: Genomenon Sequence Variant Interpretation Standards - Updated. Collection method: curation. Allele origin: germline. Affected: no.
Comment: GLA p.Val316Ile (c.946G>A) is a missense variant that changes the amino acid at codon 316 from Valine to Isoleucine. This variant has been reported in the published literature (PMID:35506549;34205365;32995357;23935525;32023956;31036492;27657681). It is absent or not present at a significant frequency in gnomAD. In conclusion, we classify GLA p.Val316Ile (c.946G>A) as a variant of uncertain significance.

All of Us Research Program, National Institutes of Health
Classification: Uncertain significance for Fabry disease. Last evaluated: 2024-05-30. Review status: criteria provided, single submitter. Criteria: ACMG Guidelines, 2015. Collection method: clinical testing. Allele origin: germline. Inheritance: X-linked inheritance. Observed: 1 variant allele, 1 heterozygote.
Comment: This missense variant replaces valine with isoleucine at codon 316 of the GLA protein. Computational prediction tools indicate that this variant has a neutral impact on protein structure and function. Multiple in vitro functional studies have shown that this variant causes a high residual alpha-galactosidase A level, ranging from 65 to 99% of wild-type (PMID: 23935525, 27657681, 31036492, 32023956). This variant has been reported in one individual affected with non-classical Fabry disease (PMID: 23935525). This variant has been identified in 1/183506 chromosomes in the general population by the Genome Aggregation Database (gnomAD). The available evidence is insufficient to determine the role of this variant in disease conclusively. Therefore, this variant is classified as a Variant of Uncertain Significance.

This study involves interpretation of variants in research participants for the purpose of population health screening. Participant phenotype was not available at the time of variant classification. Additional details can be found in publication PMID: 35346344, PMCID: PMC8962531

Color Diagnostics, LLC DBA Color Health
Classification: Uncertain significance for Fabry disease. Last evaluated: 2024-05-16. Review status: criteria provided, single submitter. Criteria: ACMG Guidelines, 2015. Collection method: clinical testing. Allele origin: germline.
Comment: This missense variant replaces valine with isoleucine at codon 316 of the GLA protein. Computational prediction tools indicate that this variant has a neutral impact on protein structure and function. Multiple in vitro functional studies have shown that this variant causes a high residual alpha-galactosidase A level, ranging from 65 to 99% of wild-type (PMID: 23935525, 27657681, 31036492, 32023956). This variant has been reported in one individual affected with non-classical Fabry disease (PMID: 23935525). This variant has been identified in 1/183506 chromosomes in the general population by the Genome Aggregation Database (gnomAD). The available evidence is insufficient to determine the role of this variant in disease conclusively. Therefore, this variant is classified as a Variant of Uncertain Significance.

Labcorp Genetics (formerly Invitae), Labcorp
Classification: Uncertain significance for Fabry disease. Last evaluated: 2024-01-16. Review status: criteria provided, single submitter. Criteria: Invitae Variant Classification Sherloc (09022015). Collection method: clinical testing. Allele origin: germline.
Comment: This sequence change replaces valine, which is neutral and non-polar, with isoleucine, which is neutral and non-polar, at codon 316 of the GLA protein (p.Val316Ile). This variant is present in population databases (rs142217511, gnomAD 0.004%). This missense change has been observed in individual(s) with clinical features of Fabry disease (PMID: 23935525). ClinVar contains an entry for this variant (Variation ID: 2138662). Advanced modeling of protein sequence and biophysical properties (such as structural, functional, and spatial information, amino acid conservation, physicochemical variation, residue mobility, and thermodynamic stability) performed at Invitae indicates that this missense variant is not expected to disrupt GLA protein function with a negative predictive value of 80%. Experimental studies have shown that this missense change affects GLA function (PMID: 23935525). In summary, the available evidence is currently insufficient to determine the role of this variant in disease. Therefore, it has been classified as a Variant of Uncertain Significance.

Ambry Genetics
Classification: Uncertain significance for Cardiovascular phenotype. Last evaluated: 2023-11-22. Review status: criteria provided, single submitter. Criteria: Ambry Variant Classification Scheme 2023. Collection method: clinical testing. Allele origin: germline.
Comment: The p.V316I variant (also known as c.946G>A), located in coding exon 6 of the GLA gene, results from a G to A substitution at nucleotide position 946. The valine at codon 316 is replaced by isoleucine, an amino acid with highly similar properties. This variant has been observed in at least one individual with phenotype consistent with Fabry disease (Lukas J et al. PLoS Genet, 2013 Aug;9:e1003632). Analysis of alpha Gal-A enzyme activity has shown that this variant results in >60% enzyme activity, compared to wildtype (Lukas J et al. PLoS Genet, 2013 Aug;9:e1003632; Benjamin ER et al. Genet Med, 2017 Apr;19:430-438; Oommen S et al. Mol Genet Metab, 2019 May;127:74-85). Based on data from gnomAD, the A allele has an overall frequency of 0.0005% (1/183506) total alleles studied, with no hemizygote(s) observed. The highest observed frequency was 0.0036% (1/27430) of Latino alleles. This amino acid position is well conserved in available vertebrate species. In addition, this alteration is predicted to be tolerated by in silico analysis. Since supporting evidence is limited at this time, the clinical significance of this alteration remains unclear.

Literature cited by the submitters: PubMed 35506549 (cited by Genomenon, Inc); PubMed 34205365 (cited by Genomenon, Inc); PubMed 32995357 (cited by Genomenon, Inc); PubMed 23935525 (cited by 5 submitters); PubMed 32023956 (cited by 3 submitters); PubMed 31036492 (cited by 4 submitters); PubMed 27657681 (cited by 4 submitters).